The following is an entry in ClinVar:

ClinVar aggregate classification (germline): Uncertain significance. Review status: criteria provided, multiple submitters, no conflicts (2 of 4 stars). 2 submissions from 2 submitters: Uncertain significance (2). Last evaluated 2024-01-19.

Conditions:
Hermansky-Pudlak syndrome 2 (HPS2). Also called: Platelet defects and oculocutaneous albinism. Identifiers: Orphanet 183678, Orphanet 79430, MedGen C1842362, MONDO:0011997, OMIM 608233.

Allele frequency attached by ClinVar (database versions not stated): gnomAD 0.00005 and 0.00006; TOPMed 0.00006.
gnomAD v4.1: 14 of 1,611,428 alleles (0.00087%); highest among the groups gnomAD compares: African/African-American, 0.017%; no homozygotes.

Submissions (2):

Fulgent Genetics
Classification: Uncertain significance for Hermansky-Pudlak syndrome 2. Last evaluated: 2024-01-19. Review status: criteria provided, single submitter. Criteria: ACMG Guidelines, 2015. Collection method: clinical testing. Allele origin: germline.

Labcorp Genetics (formerly Invitae), Labcorp
Classification: Uncertain significance for Hermansky-Pudlak syndrome 2. Last evaluated: 2023-10-03. Review status: criteria provided, single submitter. Criteria: Invitae Variant Classification Sherloc (09022015). Collection method: clinical testing. Allele origin: germline.
Comment: This sequence change replaces aspartic acid, which is acidic and polar, with tyrosine, which is neutral and polar, at codon 279 of the AP3B1 protein (p.Asp279Tyr). This variant is present in population databases (rs751922416, gnomAD 0.02%). This variant has not been reported in the literature in individuals affected with AP3B1-related conditions. ClinVar contains an entry for this variant (Variation ID: 1441868). An algorithm developed to predict the effect of missense changes on protein structure and function (PolyPhen-2) suggests that this variant is likely to be disruptive. In summary, the available evidence is currently insufficient to determine the role of this variant in disease. Therefore, it has been classified as a Variant of Uncertain Significance.

NM_003664.5(AP3B1):c.835G>T (p.Asp279Tyr)

Gene: AP3B1 (adaptor related protein complex 3 subunit beta 1; minus strand). Cytogenetic location: 5q14.1.
Variant type: single nucleotide variant.
Coding change: c.835G>T on transcript NM_003664.5 (MANE Select); coding-DNA position 835, G replaced by T.
Protein change: p.Asp279Tyr; replaces aspartic acid 279 with tyrosine.
Molecular consequence: missense variant.
Genome position (GRCh38, 1-based): chr5:78,181,614, C>A on the plus strand (G>T on the coding strand, the complement: AP3B1 is on the minus strand). VCF-style: chr5-78181614-C-A. GRCh37 (hg19) VCF-style: chr5-77477438-C-A.
Other names: c.688G>T, p.Asp230Tyr (NM_001271769.2); short protein forms D279Y, D230Y.
Identifiers: ClinVar variation 1441868 (VCV001441868.8), dbSNP rs751922416, ClinGen allele CA3317277.
Genomic context (GRCh38, chr5:78,181,614, plus strand): 5'-GTCTATGATCTGGATCCATAGTATACGGCTTCTTCTTTTTGTCAGTCTTTTCCTTCTGAT[C>A]ATCATCAGATTCGTAGAAATTCTTTCCATTGTCTTCTAATTCATCACCCTACAATGAAAG-3'
Protein context (NP_003655.3, residues 269-289): NGKNFYESDD[Asp279Tyr]QKEKTDKKKK